The following is an entry in ClinVar:

NM_000451.4(SHOX):c.*14C>G

Gene: SHOX (SHOX homeobox; plus strand). Cytogenetic location: Xp22.33.
Variant type: single nucleotide variant.
Coding change: c.*14C>G on transcript NM_000451.4 (MANE Select); 14 bases downstream of the stop codon, C replaced by G.
Molecular consequence: 3 prime UTR variant. On other transcripts: intron variant (1).
Genome position (GRCh38, 1-based): chrX:644,650, C>G. VCF-style: chrX-644650-C-G. GRCh37 (hg19) VCF-style: chrX-605385-C-G.
Other names: c.633+3563C>G (NM_006883.2).
Identifiers: ClinVar variation 2684378 (VCV002684378.1), dbSNP rs1015656862, ClinGen allele CA2692952238.
Genomic context (GRCh38, chrX:644,650, plus strand): 5'-ACCTGCGGCTCAAGGCGCGGAAGCACGCGGAGGCCCTGGGGCTCTGACCCGCCGCGCAGC[C>G]CCCCGCGCGCCCGGACTCCCGGGCTCCGCGCACCCCGCCTGCACCGCGCGTCCTGCACTC-3'

ClinVar aggregate classification (germline): Uncertain significance (1 of 4 stars; one submission).

gnomAD v4.1: 15 of 1,443,072 alleles (0.001%); highest among the groups gnomAD compares: Admixed American, 0.0028%; no homozygotes.

Submission:

Athena Diagnostics
Classification: Uncertain significance. Last evaluated: 2023-03-30. Review status: criteria provided, single submitter. Criteria: Athena Diagnostics Criteria. Collection method: clinical testing. Allele origin: unknown.
Comment: Available data are insufficient to determine the clinical significance of the variant at this time. This variant has not been reported in large, multi-ethnic general populations. Computational tools yielded predictions that this variant is unlikely to have an effect on normal RNA splicing.